The following is an entry in ClinVar:

NM_001903.5(CTNNA1):c.1473G>A (p.Trp491Ter)

Gene: CTNNA1 (catenin alpha 1; plus strand). Cytogenetic location: 5q31.2.
Variant type: single nucleotide variant.
Coding change: c.1473G>A on transcript NM_001903.5 (MANE Select); coding-DNA position 1473, G replaced by A.
Protein change: p.Trp491Ter; replaces tryptophan 491 with a stop codon.
Molecular consequence: nonsense.
Genome position (GRCh38, 1-based): chr5:138,917,825, G>A. VCF-style: chr5-138917825-G-A. GRCh37 (hg19) VCF-style: chr5-138253514-G-A.
Other names: c.24G>A, p.Trp8Ter (NM_001324007.1, NM_001324008.1, NM_001324009.1 and 2 more transcripts); c.270G>A, p.Trp90Ter (NM_001324011.1); c.120G>A, p.Trp40Ter (NM_001324012.1, NM_001324013.1); c.1473G>A, p.Trp491Ter (NM_001290307.3, NM_001323982.2, NM_001323983.1 and 2 more transcripts); c.1164G>A, p.Trp388Ter (NM_001290309.3); c.1104G>A, p.Trp368Ter (NM_001290310.3); c.363G>A, p.Trp121Ter (NM_001290312.1, NM_001323987.1, NM_001323988.1 and 17 more transcripts); c.1380G>A, p.Trp460Ter (NM_001323986.2); and 1 more; short protein forms W121*, W368*, W388*, W40*, W460*, W491*, W8*, W90*.
Identifiers: ClinVar variation 2673332 (VCV002673332.2), dbSNP rs2533589742, ClinGen allele CA361137268.

ClinVar aggregate classification (germline): Pathogenic. Review status: criteria provided, multiple submitters, no conflicts (2 of 4 stars). 2 submissions from 2 submitters: Pathogenic (2). Last evaluated 2026-01-26.

Conditions:
Hereditary cancer-predisposing syndrome. Also called: Tumor predisposition; Hereditary Cancer Syndrome; Hereditary neoplastic syndrome; Neoplastic Syndromes, Hereditary. Identifiers: Orphanet 140162, MedGen C0027672, MeSH D009386, MONDO:0015356.
Hereditary diffuse gastric adenocarcinoma (HDGC). Also called: DIFFUSE GASTRIC AND LOBULAR BREAST CANCER SYNDROME. Identifiers: Orphanet 26106, MedGen C1708349, MONDO:0007648, OMIM 137215.

Submissions (2):

Ambry Genetics
Classification: Pathogenic for Hereditary cancer-predisposing syndrome. Last evaluated: 2026-01-26. Review status: criteria provided, single submitter. Criteria: Ambry Variant Classification Scheme 2023. Collection method: clinical testing. Allele origin: germline.
Comment: The p.W491* variant (also known as c.1473G>A), located in coding exon 10 of the CTNNA1 gene, results from a G to A substitution at nucleotide position 1473. This changes the amino acid from a tryptophan to a stop codon within coding exon 10. This variant is considered to be rare based on population cohorts in the Genome Aggregation Database (gnomAD). This alteration is expected to result in loss of function by premature protein truncation or nonsense-mediated mRNA decay. As such, this alteration is interpreted as a disease-causing mutation.

Myriad Genetics, Inc.
Classification: Pathogenic for Hereditary diffuse gastric adenocarcinoma. Last evaluated: 2023-09-07. Review status: criteria provided, single submitter. Criteria: Myriad Autosomal Dominant, Autosomal Recessive and X-Linked Classification Criteria (2023). Collection method: clinical testing. Allele origin: unknown.
Comment: This variant is considered pathogenic. This variant creates a termination codon and is predicted to result in premature protein truncation.